The following is an entry in ClinVar:

ClinVar aggregate classification (germline): Uncertain significance. Review status: criteria provided, multiple submitters, no conflicts (2 of 4 stars). 2 submissions from 2 submitters: Uncertain significance (2). Last evaluated 2025-05-05.

Conditions:
Hereditary sensory and autonomic neuropathy type 1 (HSAN1). Also called: HSAN 1; HSN Type I; Hereditary Sensory Neuropathy Type I. Identifiers: Orphanet 36386, MedGen C0020071, MONDO:0018213.

gnomAD v4.1: 1 of 1,614,006 alleles (0.000062%); highest among the groups gnomAD compares: Non-Finnish European, 0.000085%; no homozygotes.

Submissions (2):

Women's Health and Genetics/Laboratory Corporation of America, LabCorp
Classification: Uncertain significance. Last evaluated: 2025-05-05. Review status: criteria provided, single submitter. Criteria: LabCorp Variant Classification Summary - May 2015. Collection method: clinical testing. Allele origin: germline.
Comment: Variant summary: SPTLC1 c.379A>G (p.Lys127Glu) results in a conservative amino acid change in the encoded protein sequence. Algorithms developed to predict the effect of missense changes on protein structure and function are either unavailable or do not agree on the potential impact of this missense change. The variant was absent in 251334 control chromosomes. The available data on variant occurrences in the general population are insufficient to allow any conclusion about variant significance. To our knowledge, no occurrence of c.379A>G in individuals affected with Neuropathy, hereditary sensory and autonomic, type 1A and no experimental evidence demonstrating its impact on protein function have been reported. ClinVar contains an entry for this variant (Variation ID: 3707117). Based on the evidence outlined above, the variant was classified as uncertain significance.

Labcorp Genetics (formerly Invitae), Labcorp
Classification: Uncertain significance for Hereditary sensory and autonomic neuropathy type 1. Last evaluated: 2025-01-14. Review status: criteria provided, single submitter. Criteria: Invitae Variant Classification Sherloc (09022015). Collection method: clinical testing. Allele origin: germline.
Comment: This sequence change replaces lysine, which is basic and polar, with glutamic acid, which is acidic and polar, at codon 127 of the SPTLC1 protein (p.Lys127Glu). This variant is not present in population databases (gnomAD no frequency). This variant has not been reported in the literature in individuals affected with SPTLC1-related conditions. Invitae Evidence Modeling of protein sequence and biophysical properties (such as structural, functional, and spatial information, amino acid conservation, physicochemical variation, residue mobility, and thermodynamic stability) indicates that this missense variant is not expected to disrupt SPTLC1 protein function with a negative predictive value of 80%. In summary, the available evidence is currently insufficient to determine the role of this variant in disease. Therefore, it has been classified as a Variant of Uncertain Significance.

NM_006415.4(SPTLC1):c.379A>G (p.Lys127Glu)

Gene: SPTLC1 (serine palmitoyltransferase long chain base subunit 1; minus strand). Cytogenetic location: 9q22.31.
Variant type: single nucleotide variant.
Coding change: c.379A>G on transcript NM_006415.4 (MANE Select); coding-DNA position 379, A replaced by G.
Protein change: p.Lys127Glu; replaces lysine 127 with glutamic acid.
Molecular consequence: missense variant. On other transcripts: 5 prime UTR variant (2).
Genome position (GRCh38, 1-based): chr9:92,080,064, T>C on the plus strand (A>G on the coding strand, the complement: SPTLC1 is on the minus strand). VCF-style: chr9-92080064-T-C. GRCh37 (hg19) VCF-style: chr9-94842346-T-C.
Other names: c.379A>G, p.Lys127Glu (NM_001281303.2, NM_178324.3); c.-121A>G (NM_001368272.1); c.-87A>G (NM_001368273.1); short protein forms K127E.
Identifiers: ClinVar variation 3707117 (VCV003707117.3).